The following is an entry in ClinVar:

NM_001195518.2(MICU1):c.251A>G (p.Asn84Ser)

Gene: MICU1 (mitochondrial calcium uptake 1; minus strand). Cytogenetic location: 10q22.1.
Variant type: single nucleotide variant.
Coding change: c.251A>G on transcript NM_001195518.2 (MANE Select); coding-DNA position 251, A replaced by G.
Protein change: p.Asn84Ser; replaces asparagine 84 with serine.
Molecular consequence: missense variant.
Genome position (GRCh38, 1-based): chr10:72,562,974, T>C on the plus strand (A>G on the coding strand, the complement: MICU1 is on the minus strand). VCF-style: chr10-72562974-T-C. GRCh37 (hg19) VCF-style: chr10-74322732-T-C.
Other names: c.251A>G, p.Asn84Ser (NM_001363513.2, NM_006077.4); c.251A>G (NM_001195518.1); short protein forms N84S.
Identifiers: ClinVar variation 1211378 (VCV001211378.13), dbSNP rs143595376, ClinGen allele CA5550314.

ClinVar aggregate classification (germline): Likely benign. Review status: criteria provided, multiple submitters, no conflicts (2 of 4 stars). 4 submissions from 4 submitters: Likely benign (3). 1 of the submissions does not count toward it. Last evaluated 2026-01-20.

Conditions:
MICU1-related disorder. Also called: MICU1-related condition.

Allele frequency attached by ClinVar (database versions not stated): gnomAD exomes 0.00008 and 0.00023; ExAC 0.00031; ESP Exome Variant Server 0.00059; gnomAD 0.00080 and 0.00081; TOPMed 0.00085; 1000 Genomes Project 0.00120; 1000 Genomes Project 30x 0.00125.
gnomAD v4.1: 236 of 1,610,526 alleles (0.015%); highest among the groups gnomAD compares: African/African-American, 0.26%; no homozygotes.

Submissions (4):

Labcorp Genetics (formerly Invitae), Labcorp
Classification: Likely benign. Last evaluated: 2026-01-20. Review status: criteria provided, single submitter. Criteria: Invitae Variant Classification Sherloc (09022015). Collection method: clinical testing. Allele origin: germline.

GeneDx
Classification: Likely benign. Last evaluated: 2021-01-22. Review status: criteria provided, single submitter. Criteria: GeneDx Variant Classification Process June 2021. Collection method: clinical testing. Allele origin: germline. Affected: yes.
Comment: In silico analysis, which includes protein predictors and evolutionary conservation, supports that this variant does not alter protein structure/function; Has not been previously published as pathogenic or benign to our knowledge

Breakthrough Genomics
Classification: Likely benign. Review status: criteria provided, single submitter. Criteria: ACMG Guidelines, 2015. Collection method: not provided. Allele origin: germline. Inheritance: Autosomal recessive inheritance. Affected: yes.

PreventionGenetics, part of Exact Sciences
Classification: Likely benign for MICU1-related condition. Last evaluated: 2024-03-28. Review status: no assertion criteria provided. Collection method: clinical testing. Allele origin: germline. Not counted in ClinVar's aggregate classification.
Comment: This variant is classified as likely benign based on ACMG/AMP sequence variant interpretation guidelines (Richards et al. 2015 PMID: 25741868, with internal and published modifications).